The following is an entry in ClinVar:

ClinVar aggregate classification (germline): Uncertain significance (1 of 4 stars; one submission).

Conditions:
Muscular dystrophy, limb-girdle, autosomal recessive 23. Identifiers: Orphanet 565837, MedGen C4748327, MONDO:0029136, OMIM 618138.
Merosin deficient congenital muscular dystrophy (MDC1A). Also called: Congenital merosin-deficient muscular dystrophy 1A; Congenital Muscular Dystrophy Type 1A (MDC1A). Identifiers: Orphanet 258, MedGen C1263858, MONDO:0011925, OMIM 607855.

Submission:

Juno Genomics, Hangzhou Juno Genomics, Inc
Classification: Uncertain significance for Merosin deficient congenital muscular dystrophy; Muscular dystrophy, limb-girdle, autosomal recessive 23. Review status: criteria provided, single submitter. Criteria: ACMG Guidelines, 2015. Collection method: clinical testing. Allele origin: germline.
Comment: Absent from controls (or at extremely low frequency if recessive) in Genome Aggregation Database.;Multiple lines of computational evidence support a deleterious effect on the gene or gene product.

NM_000426.4(LAMA2):c.8542C>A (p.His2848Asn)

Gene: LAMA2 (laminin subunit alpha 2; plus strand). Cytogenetic location: 6q22.33.
Variant type: single nucleotide variant.
Coding change: c.8542C>A on transcript NM_000426.4 (MANE Select); coding-DNA position 8542, C replaced by A.
Protein change: p.His2848Asn; replaces histidine 2848 with asparagine.
Molecular consequence: missense variant.
Genome position (GRCh38, 1-based): chr6:129,503,275, C>A. VCF-style: chr6-129503275-C-A. GRCh37 (hg19) VCF-style: chr6-129824420-C-A.
Other names: c.8530C>A, p.His2844Asn (NM_001079823.2); short protein forms H2844N, H2848N.
Identifiers: ClinVar variation 5006965 (VCV005006965.2).